The following is an entry in ClinVar:

NM_001130438.3(SPTAN1):c.6469G>A (p.Glu2157Lys)

Gene: SPTAN1 (spectrin alpha, non-erythrocytic 1; plus strand). Cytogenetic location: 9q34.11.
Variant type: single nucleotide variant.
Coding change: c.6469G>A on transcript NM_001130438.3 (MANE Select); coding-DNA position 6469, G replaced by A.
Protein change: p.Glu2157Lys; replaces glutamic acid 2157 with lysine.
Molecular consequence: missense variant.
Genome position (GRCh38, 1-based): chr9:128,626,580, G>A. VCF-style: chr9-128626580-G-A. GRCh37 (hg19) VCF-style: chr9-131388859-G-A.
Other names: c.6394G>A, p.Glu2132Lys (NM_001195532.2); c.6469G>A, p.Glu2157Lys (NM_001363759.2, NM_001375310.1, NM_001375311.2 and 1 more transcripts); c.6409G>A, p.Glu2137Lys (NM_001363765.2, NM_001375314.2); c.6505G>A, p.Glu2169Lys (NM_001375312.2, NM_001375318.1); c.6454G>A, p.Glu2152Lys (NM_003127.4); short protein forms E2152K, E2157K, E2169K, E2132K, E2137K.
Identifiers: ClinVar variation 2049712 (VCV002049712.4), dbSNP rs1273433822, ClinGen allele CA375089197.

ClinVar aggregate classification (germline): Uncertain significance (1 of 4 stars; one submission).

Conditions:
Early-infantile DEE. Also called: Ohtahara syndrome; Early infantile epileptic encephalopathy; Early infantile epileptic encephalopathy with suppression bursts. Identifiers: Orphanet 1934, MedGen C0393706, MONDO:0800491.

Allele frequency attached by ClinVar (database versions not stated): TOPMed below 0.00001; gnomAD exomes 0.00001; gnomAD 0.00002.
gnomAD v4.1: 10 of 1,613,722 alleles (0.00062%); highest among the groups gnomAD compares: Admixed American, 0.0017%; no homozygotes.

Submission:

Labcorp Genetics (formerly Invitae), Labcorp
Classification: Uncertain significance for Early-infantile DEE. Last evaluated: 2022-12-22. Review status: criteria provided, single submitter. Criteria: Invitae Variant Classification Sherloc (09022015). Collection method: clinical testing. Allele origin: germline.
Comment: This sequence change replaces glutamic acid, which is acidic and polar, with lysine, which is basic and polar, at codon 2157 of the SPTAN1 protein (p.Glu2157Lys). In summary, the available evidence is currently insufficient to determine the role of this variant in disease. Therefore, it has been classified as a Variant of Uncertain Significance. Algorithms developed to predict the effect of missense changes on protein structure and function (SIFT, PolyPhen-2, Align-GVGD) all suggest that this variant is likely to be tolerated. This variant has not been reported in the literature in individuals affected with SPTAN1-related conditions. This variant is present in population databases (no rsID available, gnomAD 0.007%).